The following is an entry in ClinVar:

ClinVar aggregate classification (germline): Pathogenic (1 of 4 stars; one submission).

Conditions:
Ehlers-Danlos syndrome, classic type, 1 (EDSCL1). Also called: EHLERS-DANLOS SYNDROME, GRAVIS TYPE; EHLERS-DANLOS SYNDROME, SEVERE CLASSIC TYPE; Ehlers-Danlos syndrome, type 1; Ehlers-Danlos Syndrome, Classic Type, COL5A1-Related; EDS I. Identifiers: MedGen C0268335, MONDO:0019567, OMIM 130000.
Osteogenesis imperfecta type I (OI1). Also called: OI, TYPE I; OSTEOGENESIS IMPERFECTA TARDA; OSTEOGENESIS IMPERFECTA WITH BLUE SCLERAE; Osteogenesis imperfecta type 1; Lobstein's Disease; Lobstein disease. Identifiers: Orphanet 216796, Orphanet 666, MedGen C0023931, MONDO:0008146, OMIM 166200. Disease mechanism: loss of function.

Submission:

Labcorp Genetics (formerly Invitae), Labcorp
Classification: Pathogenic for Osteogenesis imperfecta type I; Ehlers-Danlos syndrome, classic type, 1. Last evaluated: 2025-02-06. Review status: criteria provided, single submitter. Criteria: Invitae Variant Classification Sherloc (09022015). Collection method: clinical testing. Allele origin: germline.
Comment: This sequence change replaces glycine, which is neutral and non-polar, with serine, which is neutral and polar, at codon 715 of the COL1A2 protein (p.Gly715Ser). This variant is not present in population databases (gnomAD no frequency). This missense change has been observed in individuals with autosomal dominant osteogenesis imperfecta (PMID: 27509835; internal data). Invitae Evidence Modeling of protein sequence and biophysical properties (such as structural, functional, and spatial information, amino acid conservation, physicochemical variation, residue mobility, and thermodynamic stability) indicates that this missense variant is expected to disrupt COL1A2 protein function with a positive predictive value of 95%. This variant disrupts the triple helix domain of COL1A2. Glycine residues within the Gly-Xaa-Yaa repeats of the triple helix domain are required for the structure and stability of fibrillar collagens (PMID: 7695699, 8218237, 19344236). In COL1A2, variants affecting these glycine residues are significantly enriched in individuals with disease (PMID: 9016532, 17078022) compared to the general population (ExAC). For these reasons, this variant has been classified as Pathogenic.

Literature cited by the submitters: PubMed 27509835; PubMed 7695699; PubMed 8218237; PubMed 19344236; PubMed 9016532; PubMed 17078022.

NM_000089.4(COL1A2):c.2143G>A (p.Gly715Ser)

Gene: COL1A2 (collagen type I alpha 2 chain; plus strand). Cytogenetic location: 7q21.3.
Variant type: single nucleotide variant.
Coding change: c.2143G>A on transcript NM_000089.4 (MANE Select); coding-DNA position 2143, G replaced by A.
Protein change: p.Gly715Ser; replaces glycine 715 with serine.
Molecular consequence: missense variant.
Genome position (GRCh38, 1-based): chr7:94,420,400, G>A. VCF-style: chr7-94420400-G-A. GRCh37 (hg19) VCF-style: chr7-94049712-G-A.
Other names: short protein forms G715S.
Identifiers: ClinVar variation 4783665 (VCV004783665.1).